The following is an entry in ClinVar:

ClinVar aggregate classification (germline): Uncertain significance (1 of 4 stars; one submission).

Conditions:
Inborn genetic diseases. Identifiers: MedGen C0950123, MeSH D030342.

Submission:

Ambry Genetics
Classification: Uncertain significance for Inborn genetic diseases. Last evaluated: 2025-08-12. Review status: criteria provided, single submitter. Criteria: Ambry Variant Classification Scheme 2023. Collection method: clinical testing. Allele origin: germline.
Comment: The p.E108Q variant (also known as c.322G>C), located in coding exon 1 of the SAMD9 gene, results from a G to C substitution at nucleotide position 322. The glutamic acid at codon 108 is replaced by glutamine, an amino acid with highly similar properties. This amino acid position is conserved. In addition, this alteration is predicted to be tolerated by in silico analysis. Based on the available evidence, the clinical significance of this variant remains unclear.

NM_017654.4(SAMD9):c.322G>C (p.Glu108Gln)

Gene: SAMD9 (sterile alpha motif domain containing 9; minus strand). Cytogenetic location: 7q21.2.
Variant type: single nucleotide variant.
Coding change: c.322G>C on transcript NM_017654.4 (MANE Select); coding-DNA position 322, G replaced by C.
Protein change: p.Glu108Gln; replaces glutamic acid 108 with glutamine.
Molecular consequence: missense variant.
Genome position (GRCh38, 1-based): chr7:93,105,776, C>G on the plus strand (G>C on the coding strand, the complement: SAMD9 is on the minus strand). VCF-style: chr7-93105776-C-G. GRCh37 (hg19) VCF-style: chr7-92735089-C-G.
Other names: c.322G>C, p.Glu108Gln (NM_001193307.2); short protein forms E108Q.
Identifiers: ClinVar variation 4159147 (VCV004159147.1).